The following is an entry in ClinVar:

NM_006227.4(PLTP):c.377G>A (p.Arg126His)

Gene: PLTP (phospholipid transfer protein; minus strand). Cytogenetic location: 20q13.12.
Variant type: single nucleotide variant.
Coding change: c.377G>A on transcript NM_006227.4 (MANE Select); coding-DNA position 377, G replaced by A.
Protein change: p.Arg126His; replaces arginine 126 with histidine.
Molecular consequence: missense variant. On other transcripts: intron variant (2).
Genome position (GRCh38, 1-based): chr20:45,909,624, C>T on the plus strand (G>A on the coding strand, the complement: PLTP is on the minus strand). VCF-style: chr20-45909624-C-T. GRCh37 (hg19) VCF-style: chr20-44538263-C-T.
Other names: c.113G>A, p.Arg38His (NM_001242921.1); c.200+1528G>A (NM_001242920.2); c.329+318G>A (NM_182676.3); short protein forms R126H, R38H.
Identifiers: ClinVar variation 3717812 (VCV003717812.2).

ClinVar aggregate classification (germline): Uncertain significance (1 of 4 stars; one submission).

Submission:

Labcorp Genetics (formerly Invitae), Labcorp
Classification: Uncertain significance. Last evaluated: 2024-06-28. Review status: criteria provided, single submitter. Criteria: Invitae Variant Classification Sherloc (09022015). Collection method: clinical testing. Allele origin: germline.
Comment: This sequence change replaces arginine, which is basic and polar, with histidine, which is basic and polar, at codon 126 of the PLTP protein (p.Arg126His). This variant is present in population databases (rs200174772, gnomAD 0.1%), and has an allele count higher than expected for a pathogenic variant. This variant has not been reported in the literature in individuals affected with PLTP-related conditions. Algorithms developed to predict the effect of missense changes on protein structure and function output the following: SIFT: "Not Available"; PolyPhen-2: "Benign"; Align-GVGD: "Not Available". The histidine amino acid residue is found in multiple mammalian species, which suggests that this missense change does not adversely affect protein function. In summary, the available evidence is currently insufficient to determine the role of this variant in disease. Therefore, it has been classified as a Variant of Uncertain Significance.